The following is an entry in ClinVar:

ClinVar aggregate classification (germline): Uncertain significance (1 of 4 stars; one submission).

Conditions:
Hereditary cancer-predisposing syndrome. Also called: Hereditary Cancer Syndrome; Hereditary neoplastic syndrome; Tumor predisposition; Neoplastic Syndromes, Hereditary. Identifiers: Orphanet 140162, MedGen C0027672, MeSH D009386, MONDO:0015356.
Cardiovascular phenotype. Identifiers: MedGen CN230736.

Submission:

Ambry Genetics
Classification: Uncertain significance for Cardiovascular phenotype; Hereditary cancer-predisposing syndrome. Last evaluated: 2024-09-13. Review status: criteria provided, single submitter. Criteria: Ambry Variant Classification Scheme 2023. Collection method: clinical testing. Allele origin: germline.
Comment: The p.G160D variant (also known as c.479G>A), located in coding exon 5 of the LZTR1 gene, results from a G to A substitution at nucleotide position 479. The glycine at codon 160 is replaced by aspartic acid, an amino acid with similar properties. This amino acid position is conserved. In addition, the in silico prediction for this alteration is inconclusive. Based on the available evidence, the clinical significance of this variant remains unclear.

NM_006767.4(LZTR1):c.479G>A (p.Gly160Asp)

Gene: LZTR1 (leucine zipper like post translational regulator 1; plus strand). Cytogenetic location: 22q11.21.
Variant type: single nucleotide variant.
Coding change: c.479G>A on transcript NM_006767.4 (MANE Select); coding-DNA position 479, G replaced by A.
Protein change: p.Gly160Asp; replaces glycine 160 with aspartic acid.
Molecular consequence: missense variant.
Genome position (GRCh38, 1-based): chr22:20,988,088, G>A. VCF-style: chr22-20988088-G-A. GRCh37 (hg19) VCF-style: chr22-21342377-G-A.
Other names: short protein forms G160D.
Identifiers: ClinVar variation 3541627 (VCV003541627.1).